The following is an entry in ClinVar:

ClinVar aggregate classification (germline): Uncertain significance. Review status: criteria provided, multiple submitters, no conflicts (2 of 4 stars). 2 submissions from 2 submitters: Uncertain significance (2). Last evaluated 2025-08-26.

Conditions:
Inborn genetic diseases. Identifiers: MedGen C0950123, MeSH D030342.

Allele frequency attached by ClinVar (database versions not stated): gnomAD 0.00004 and 0.00005; TOPMed 0.00008; ExAC 0.00009; gnomAD exomes 0.00011 and 0.00015; ESP Exome Variant Server 0.00015.
gnomAD v4.1: 226 of 1,611,792 alleles (0.014%); highest among the groups gnomAD compares: Non-Finnish European, 0.018%; no homozygotes.

Submissions (2):

Ambry Genetics
Classification: Uncertain significance for Inborn genetic diseases. Last evaluated: 2025-08-26. Review status: criteria provided, single submitter. Criteria: Ambry Variant Classification Scheme 2023. Collection method: clinical testing. Allele origin: germline.

Labcorp Genetics (formerly Invitae), Labcorp
Classification: Uncertain significance. Last evaluated: 2022-10-13. Review status: criteria provided, single submitter. Criteria: Invitae Variant Classification Sherloc (09022015). Collection method: clinical testing. Allele origin: germline.
Comment: This sequence change replaces arginine, which is basic and polar, with serine, which is neutral and polar, at codon 658 of the ADAMTSL4 protein (p.Arg658Ser). This variant is present in population databases (rs148221367, gnomAD 0.02%). This variant has not been reported in the literature in individuals affected with ADAMTSL4-related conditions. ClinVar contains an entry for this variant (Variation ID: 1399129). Advanced modeling of protein sequence and biophysical properties (such as structural, functional, and spatial information, amino acid conservation, physicochemical variation, residue mobility, and thermodynamic stability) performed at Invitae indicates that this missense variant is not expected to disrupt ADAMTSL4 protein function. In summary, the available evidence is currently insufficient to determine the role of this variant in disease. Therefore, it has been classified as a Variant of Uncertain Significance.

NM_019032.6(ADAMTSL4):c.1974G>C (p.Arg658Ser)

Genes: ADAMTSL4 (ADAMTS like 4; plus strand), ADAMTSL4-AS2 (ADAMTSL4 antisense RNA 2; minus strand). Cytogenetic location: 1q21.2.
Variant type: single nucleotide variant.
Coding change: c.1974G>C on transcript NM_019032.6 (MANE Select); coding-DNA position 1974, G replaced by C.
Protein change: p.Arg658Ser; replaces arginine 658 with serine.
Molecular consequence: missense variant.
Genome position (GRCh38, 1-based): chr1:150,557,262, G>C. VCF-style: chr1-150557262-G-C. GRCh37 (hg19) VCF-style: chr1-150529738-G-C.
Other names: c.1974G>C (NM_019032.4); c.1857G>C, p.Gln619His (NM_001288607.2); c.2043G>C, p.Arg681Ser (NM_001288608.2); c.1974G>C, p.Arg658Ser (NM_001378596.1, NM_025008.5); short protein forms Q619H, R658S, R681S.
Identifiers: ClinVar variation 1399129 (VCV001399129.8), dbSNP rs148221367, ClinGen allele CA1078475.